The following is an entry in ClinVar:

ClinVar aggregate classification (germline): Uncertain significance (1 of 4 stars; one submission).

Allele frequency attached by ClinVar (database versions not stated): ExAC 0.00001; gnomAD 0.00004; TOPMed 0.00005; 1000 Genomes Project 30x 0.00031; 1000 Genomes Project 0.00040.

Submission:

Labcorp Genetics (formerly Invitae), Labcorp
Classification: Uncertain significance. Last evaluated: 2024-05-07. Review status: criteria provided, single submitter. Criteria: Invitae Variant Classification Sherloc (09022015). Collection method: clinical testing. Allele origin: germline.
Comment: This sequence change replaces proline, which is neutral and non-polar, with histidine, which is basic and polar, at codon 1026 of the ERBB2 protein (p.Pro1026His). This variant is present in population databases (rs192441765, gnomAD 0.01%). This variant has not been reported in the literature in individuals affected with ERBB2-related conditions. Advanced modeling of protein sequence and biophysical properties (such as structural, functional, and spatial information, amino acid conservation, physicochemical variation, residue mobility, and thermodynamic stability) performed at Invitae indicates that this missense variant is expected to disrupt ERBB2 protein function with a positive predictive value of 80%. In summary, the available evidence is currently insufficient to determine the role of this variant in disease. Therefore, it has been classified as a Variant of Uncertain Significance.

NM_004448.4(ERBB2):c.3077C>A (p.Pro1026His)

Gene: ERBB2 (erb-b2 receptor tyrosine kinase 2; plus strand). Cytogenetic location: 17q12.
Variant type: single nucleotide variant.
Coding change: c.3077C>A on transcript NM_004448.4 (MANE Select); coding-DNA position 3077, C replaced by A.
Protein change: p.Pro1026His; replaces proline 1026 with histidine.
Molecular consequence: missense variant. On other transcripts: non-coding transcript variant (1), intron variant (2).
Genome position (GRCh38, 1-based): chr17:39,726,921, C>A. VCF-style: chr17-39726921-C-A. GRCh37 (hg19) VCF-style: chr17-37883174-C-A.
Other names: c.2987C>A, p.Pro996His (NM_001005862.3, NM_001382782.1, NM_001382783.1); c.3032C>A, p.Pro1011His (NM_001289936.2); c.3077C>A, p.Pro1026His (NM_001289937.2); c.3194C>A, p.Pro1065His (NM_001382784.1); c.3179C>A, p.Pro1060His (NM_001382785.1); c.3158C>A, p.Pro1053His (NM_001382786.1); c.3152C>A, p.Pro1051His (NM_001382787.1); c.3107C>A, p.Pro1036His (NM_001382788.1); and 16 more; short protein forms P1025H, P1026H, P1053H, P1060H, P958H, P1010H, P1033H, P1036H.
Identifiers: ClinVar variation 2890990 (VCV002890990.3), dbSNP rs192441765, ClinGen allele CA8534457.